The following is an entry in ClinVar:

ClinVar aggregate classification (germline): Pathogenic (1 of 4 stars; one submission).

Conditions:
Breast-ovarian cancer, familial, susceptibility to, 4. Identifiers: Orphanet 145, MedGen C3280345, MONDO:0013669, OMIM 614291.

Submission:

Labcorp Genetics (formerly Invitae), Labcorp
Classification: Pathogenic for Breast-ovarian cancer, familial, susceptibility to, 4. Last evaluated: 2024-01-05. Review status: criteria provided, single submitter. Criteria: Invitae Variant Classification Sherloc (09022015). Collection method: clinical testing. Allele origin: unknown.
Comment: This variant is a gross deletion of the genomic region encompassing exon(s) 7-10 of the RAD51D gene, which includes the termination codon. This deletion extends beyond the assayed region for this gene and therefore may encompass additional genes. While this deletion is not anticipated to lead to nonsense mediated decay, it is expected to alter mRNA translation or result in a truncated protein product. This variant has not been reported in the literature in individuals affected with RAD51D-related conditions. This variant disrupts a region of the RAD51D protein in which other variant(s) (Exon 9-10 deletion) have been determined to be pathogenic (Invitae). This suggests that this is a clinically significant region of the protein, and that variants that disrupt it are likely to be disease-causing. For these reasons, this variant has been classified as Pathogenic.

NC_000017.10:g.(?_33427972)_(33430583_?)del

Gene: RAD51D (RAD51 paralog D; minus strand). Cytogenetic location: 17q12.
Variant type: Deletion.
Identifiers: ClinVar variation 3243096 (VCV003243096.1).